The following is an entry in ClinVar:

ClinVar aggregate classification (germline): Uncertain significance (1 of 4 stars; one submission).

Conditions:
Combined oxidative phosphorylation defect type 17. Also called: Combined oxidative phosphorylation deficiency 17. Identifiers: Orphanet 369913, MedGen C3809526, MONDO:0014190, OMIM 615440.

Allele frequency attached by ClinVar (database versions not stated): ExAC 0.00001; gnomAD 0.00001; gnomAD exomes 0.00001; TOPMed 0.00004.
gnomAD v4.1: 11 of 1,610,656 alleles (0.00068%); highest among the groups gnomAD compares: East Asian, 0.0089%; no homozygotes.

Submission:

Labcorp Genetics (formerly Invitae), Labcorp
Classification: Uncertain significance for Combined oxidative phosphorylation defect type 17. Last evaluated: 2021-12-23. Review status: criteria provided, single submitter. Criteria: Invitae Variant Classification Sherloc (09022015). Collection method: clinical testing. Allele origin: germline.
Comment: Variants that disrupt the consensus splice site are a relatively common cause of aberrant splicing (PMID: 17576681, 9536098). Algorithms developed to predict the effect of sequence changes on RNA splicing suggest that this variant may disrupt the consensus splice site. This variant has not been reported in the literature in individuals affected with ELAC2-related conditions. This variant is present in population databases (rs774679119, gnomAD 0.004%). This sequence change falls in intron 5 of the ELAC2 gene. It does not directly change the encoded amino acid sequence of the ELAC2 protein. It affects a nucleotide within the consensus splice site. In summary, the available evidence is currently insufficient to determine the role of this variant in disease. Therefore, it has been classified as a Variant of Uncertain Significance.

Literature cited by the submitters: PubMed 17576681; PubMed 9536098.

NM_018127.7(ELAC2):c.490+5G>A

Gene: ELAC2 (elaC ribonuclease Z 2; minus strand). Cytogenetic location: 17p12.
Variant type: single nucleotide variant.
Coding change: c.490+5G>A on transcript NM_018127.7 (MANE Select); 5 bases into the intron after coding-DNA position 490, G replaced by A.
Molecular consequence: intron variant.
Genome position (GRCh38, 1-based): chr17:13,014,434, C>T on the plus strand (G>A on the coding strand, the complement: ELAC2 is on the minus strand). VCF-style: chr17-13014434-C-T. GRCh37 (hg19) VCF-style: chr17-12917751-C-T.
Other names: c.490+5G>A (NM_001165962.2, NM_173717.2).
Identifiers: ClinVar variation 2189201 (VCV002189201.2), dbSNP rs774679119, ClinGen allele CA8401643.